The following is an entry in ClinVar:

NM_033380.3(COL4A5):c.4015+2T>C

Gene: COL4A5 (collagen type IV alpha 5 chain; plus strand). Cytogenetic location: Xq22.3.
Variant type: single nucleotide variant.
Coding change: c.4015+2T>C on transcript NM_033380.3 (MANE Select); the canonical splice donor site of the intron after coding-DNA position 4015, T replaced by C.
Molecular consequence: splice donor variant.
Genome position (GRCh38, 1-based): chrX:108,680,753, T>C. VCF-style: chrX-108680753-T-C. GRCh37 (hg19) VCF-style: chrX-107923983-T-C.
Other names: c.3997+2T>C (NM_000495.5).
Identifiers: ClinVar variation 1066187 (VCV001066187.9), dbSNP rs2147980108, ClinGen allele CA413851084.

ClinVar aggregate classification (germline): Pathogenic (1 of 4 stars; one submission).

Submission:

Labcorp Genetics (formerly Invitae), Labcorp
Classification: Pathogenic. Last evaluated: 2025-08-21. Review status: criteria provided, single submitter. Criteria: Invitae Variant Classification Sherloc (09022015). Collection method: clinical testing. Allele origin: germline.
Comment: This sequence change affects a donor splice site in intron 43 of the COL4A5 gene. It is expected to disrupt RNA splicing. Variants that disrupt the donor or acceptor splice site typically lead to a loss of protein function (PMID: 16199547), and loss-of-function variants in COL4A5 are known to be pathogenic (PMID: 9195222, 10752524, 14514738, 24854265, 26809805). This variant is not present in population databases (gnomAD no frequency). Disruption of this splice site has been observed in individuals with clinical features of Alport syndrome (PMID: 28780565, 33040356; internal data). This variant is also known as c.4015+2T>C. ClinVar contains an entry for this variant (Variation ID: 1066187). Algorithms developed to predict the effect of sequence changes on RNA splicing suggest that this variant may disrupt the consensus splice site. For these reasons, this variant has been classified as Pathogenic.

Literature cited by the submitters: PubMed 16199547; PubMed 9195222; PubMed 10752524; PubMed 14514738; PubMed 24854265; PubMed 26809805; PubMed 28780565; PubMed 33040356.